The following is an entry in ClinVar:

NM_000338.3(SLC12A1):c.1199T>C (p.Ile400Thr)

Gene: SLC12A1 (solute carrier family 12 member 1; plus strand). Cytogenetic location: 15q21.1.
Variant type: single nucleotide variant.
Coding change: c.1199T>C on transcript NM_000338.3 (MANE Select); coding-DNA position 1199, T replaced by C.
Protein change: p.Ile400Thr; replaces isoleucine 400 with threonine.
Molecular consequence: missense variant.
Genome position (GRCh38, 1-based): chr15:48,234,988, T>C. VCF-style: chr15-48234988-T-C. GRCh37 (hg19) VCF-style: chr15-48527185-T-C.
Other names: c.1199T>C, p.Ile400Thr (NM_001184832.2, NM_001384136.1); short protein forms I400T.
Identifiers: ClinVar variation 5005420 (VCV005005420.2).

ClinVar aggregate classification (germline): Uncertain significance (1 of 4 stars; one submission).

Conditions:
Bartter disease type 1. Also called: Bartter Syndrome type 1; HYPOKALEMIC ALKALOSIS WITH HYPERCALCIURIA 1, ANTENATAL; HYPERPROSTAGLANDIN E SYNDROME 1; Bartter syndrome, type 1, antenatal. Identifiers: Orphanet 112, Orphanet 620217, MedGen C1866495, MONDO:0100344, OMIM 601678, MONDO:0011127.

Submission:

Juno Genomics, Hangzhou Juno Genomics, Inc
Classification: Uncertain significance for Bartter disease type 1. Review status: criteria provided, single submitter. Criteria: ACMG Guidelines, 2015. Collection method: clinical testing. Allele origin: germline.
Comment: Absent from controls (or at extremely low frequency if recessive) in Genome Aggregation Database.;Multiple lines of computational evidence support a deleterious effect on the gene or gene product.